The following is an entry in ClinVar:

ClinVar aggregate classification (germline): Uncertain significance. Review status: criteria provided, multiple submitters, no conflicts (2 of 4 stars). 3 submissions from 3 submitters: Uncertain significance (3). Last evaluated 2025-05-13.

Conditions:
Aortic aneurysm, familial thoracic 7 (AAT7). Also called: AORTIC DISSECTION, FAMILIAL, WITH OR WITHOUT AORTIC ANEURYSM. Identifiers: MedGen C3151077, MONDO:0013418, OMIM 613780.

Allele frequency attached by ClinVar (database versions not stated): gnomAD exomes below 0.00001 and 0.00001; TOPMed below 0.00001; gnomAD 0.00001.
gnomAD v4.1: 5 of 1,611,274 alleles (0.00031%); highest among the groups gnomAD compares: Admixed American, 0.0017%; no homozygotes.

Submissions (3):

ARUP Laboratories, Molecular Genetics and Genomics, ARUP Laboratories
Classification: Uncertain significance. Last evaluated: 2025-05-13. Review status: criteria provided, single submitter. Criteria: ARUP Molecular Germline Variant Investigation Process 2024. Collection method: clinical testing. Allele origin: germline.
Comment: The MYLK c.3193G>C; p.Glu1065Gln variant (rs1064797009), to our knowledge, is not reported in the medical literature but is reported in ClinVar (Variation ID: 424508). This variant is only observed on two alleles in the Genome Aggregation Database (v2.1.1), indicating it is not a common polymorphism. Computational analyses predict that this variant is neutral (REVEL: 0.085). Due to limited information, the clinical significance of this variant is uncertain at this time.

Labcorp Genetics (formerly Invitae), Labcorp
Classification: Uncertain significance for Aortic aneurysm, familial thoracic 7. Last evaluated: 2024-04-25. Review status: criteria provided, single submitter. Criteria: Invitae Variant Classification Sherloc (09022015). Collection method: clinical testing. Allele origin: germline.
Comment: This sequence change replaces glutamic acid, which is acidic and polar, with glutamine, which is neutral and polar, at codon 1065 of the MYLK protein (p.Glu1065Gln). This variant is present in population databases (no rsID available, gnomAD 0.007%). This variant has not been reported in the literature in individuals affected with MYLK-related conditions. ClinVar contains an entry for this variant (Variation ID: 424508). Advanced modeling of protein sequence and biophysical properties (such as structural, functional, and spatial information, amino acid conservation, physicochemical variation, residue mobility, and thermodynamic stability) performed at Invitae indicates that this missense variant is not expected to disrupt MYLK protein function with a negative predictive value of 95%. In summary, the available evidence is currently insufficient to determine the role of this variant in disease. Therefore, it has been classified as a Variant of Uncertain Significance.

GeneDx
Classification: Uncertain significance. Last evaluated: 2020-03-17. Review status: criteria provided, single submitter. Criteria: GeneDx Variant Classification Process June 2021. Collection method: clinical testing. Allele origin: germline. Affected: yes.
Comment: Has not been previously published as pathogenic or benign to our knowledge; Not observed at a significant frequency in large population cohorts (Lek et al., 2016); In silico analysis supports that this missense variant does not alter protein structure/function

NM_053025.4(MYLK):c.3193G>C (p.Glu1065Gln)

Gene: MYLK (myosin light chain kinase; minus strand). Cytogenetic location: 3q21.1.
Variant type: single nucleotide variant.
Coding change: c.3193G>C on transcript NM_053025.4 (MANE Select); coding-DNA position 3193, G replaced by C.
Protein change: p.Glu1065Gln; replaces glutamic acid 1065 with glutamine.
Molecular consequence: missense variant.
Genome position (GRCh38, 1-based): chr3:123,700,275, C>G on the plus strand (G>C on the coding strand, the complement: MYLK is on the minus strand). VCF-style: chr3-123700275-C-G. GRCh37 (hg19) VCF-style: chr3-123419122-C-G.
Other names: c.2665G>C, p.Glu889Gln (NM_001321309.2); c.2986G>C, p.Glu996Gln (NM_053026.4, NM_053028.4); c.3193G>C, p.Glu1065Gln (NM_053027.4); short protein forms E1065Q, E889Q, E996Q.
Identifiers: ClinVar variation 424508 (VCV000424508.6), dbSNP rs1064797009, ClinGen allele CA16617821.